The following is an entry in ClinVar:

ClinVar aggregate classification (germline): Uncertain significance. Review status: criteria provided, multiple submitters, no conflicts (2 of 4 stars). 5 submissions from 5 submitters: Uncertain significance (5). Last evaluated 2024-08-29.

Conditions:
Renal cell carcinoma. Identifiers: Orphanet 217071, MedGen C0007134, MeSH D002292, MONDO:0005086, HP:0005584.
Hereditary cancer-predisposing syndrome. Also called: Tumor predisposition; Neoplastic Syndromes, Hereditary; Hereditary Cancer Syndrome; Hereditary neoplastic syndrome. Identifiers: Orphanet 140162, MedGen C0027672, MeSH D009386, MONDO:0015356.
Autosomal recessive nonsyndromic hearing loss 97. Also called: Deafness, autosomal recessive 97. Identifiers: Orphanet 90636, MedGen C4084709, MONDO:0014739, OMIM 616705.

Allele frequency attached by ClinVar (database versions not stated): gnomAD exomes below 0.00001 and 0.00002; ExAC 0.00002.
gnomAD v4.1: 5 of 1,613,908 alleles (0.00031%); highest among the groups gnomAD compares: South Asian, 0.0033%; no homozygotes.

Submissions (5):

Labcorp Genetics (formerly Invitae), Labcorp
Classification: Uncertain significance for Renal cell carcinoma. Last evaluated: 2024-08-29. Review status: criteria provided, single submitter. Criteria: Invitae Variant Classification Sherloc (09022015). Collection method: clinical testing. Allele origin: germline.
Comment: This sequence change replaces aspartic acid, which is acidic and polar, with glycine, which is neutral and non-polar, at codon 1117 of the MET protein (p.Asp1117Gly). This variant is present in population databases (rs780431412, gnomAD 0.02%). This variant has not been reported in the literature in individuals affected with MET-related conditions. ClinVar contains an entry for this variant (Variation ID: 221192). Invitae Evidence Modeling of protein sequence and biophysical properties (such as structural, functional, and spatial information, amino acid conservation, physicochemical variation, residue mobility, and thermodynamic stability) indicates that this missense variant is not expected to disrupt MET protein function with a negative predictive value of 80%. In summary, the available evidence is currently insufficient to determine the role of this variant in disease. Therefore, it has been classified as a Variant of Uncertain Significance.

Ambry Genetics
Classification: Uncertain significance for Hereditary cancer-predisposing syndrome. Last evaluated: 2024-04-26. Review status: criteria provided, single submitter. Criteria: Ambry Variant Classification Scheme 2023. Collection method: clinical testing. Allele origin: germline.
Comment: The p.D1117G variant (also known as c.3350A>G), located in coding exon 15 of the MET gene, results from an A to G substitution at nucleotide position 3350. The aspartic acid at codon 1117 is replaced by glycine, an amino acid with similar properties. This amino acid position is well conserved in available vertebrate species. In addition, the in silico prediction for this alteration is inconclusive. Based on the available evidence, the clinical significance of this variant remains unclear.

Baylor Genetics
Classification: Uncertain significance for Autosomal recessive nonsyndromic hearing loss 97. Last evaluated: 2023-10-16. Review status: criteria provided, single submitter. Criteria: ACMG Guidelines, 2015. Collection method: clinical testing. Allele origin: unknown.

Blueprint Genetics
Classification: Uncertain significance. Last evaluated: 2023-01-02. Review status: criteria provided, single submitter. Criteria: ACMG Guidelines, 2015. Collection method: clinical testing. Allele origin: germline.

GeneDx
Classification: Uncertain significance. Last evaluated: 2022-11-07. Review status: criteria provided, single submitter. Criteria: GeneDx Variant Classification Process June 2021. Collection method: clinical testing. Allele origin: germline. Affected: yes.
Comment: Not observed at significant frequency in large population cohorts (gnomAD); In silico analysis supports that this missense variant has a deleterious effect on protein structure/function; Has not been previously published as pathogenic or benign to our knowledge; This variant is associated with the following publications: (PMID: 33237286)

NM_000245.4(MET):c.3296A>G (p.Asp1099Gly)

Gene: MET (MET proto-oncogene, receptor tyrosine kinase; plus strand). Cytogenetic location: 7q31.2.
Variant type: single nucleotide variant.
Coding change: c.3296A>G on transcript NM_000245.4 (MANE Select); coding-DNA position 3296, A replaced by G.
Protein change: p.Asp1099Gly; replaces aspartic acid 1099 with glycine.
Molecular consequence: missense variant.
Genome position (GRCh38, 1-based): chr7:116,777,425, A>G. VCF-style: chr7-116777425-A-G. GRCh37 (hg19) VCF-style: chr7-116417479-A-G.
Other names: c.3350A>G (LRG_662t1); c.3350A>G, p.Asp1117Gly (NM_001127500.3); c.2006A>G, p.Asp669Gly (NM_001324402.2); short protein forms D1117G, D1099G, D669G.
Identifiers: ClinVar variation 221192 (VCV000221192.15), dbSNP rs780431412, ClinGen allele CA348837.